The following is an entry in ClinVar:

ClinVar aggregate classification (germline): Uncertain significance (1 of 4 stars; one submission).

Conditions:
Early-infantile DEE. Also called: Early infantile epileptic encephalopathy with suppression bursts; Early infantile epileptic encephalopathy; Ohtahara syndrome. Identifiers: Orphanet 1934, MedGen C0393706, MONDO:0800491.

Allele frequency attached by ClinVar (database versions not stated): TOPMed below 0.00001; gnomAD 0.00001; 1000 Genomes Project 30x 0.00016; 1000 Genomes Project 0.00020.
gnomAD v4.1: 2 of 1,614,238 alleles (0.00012%); highest among the groups gnomAD compares: East Asian, 0.0022%; no homozygotes.

Submission:

Labcorp Genetics (formerly Invitae), Labcorp
Classification: Uncertain significance for Early-infantile DEE. Last evaluated: 2025-09-08. Review status: criteria provided, single submitter. Criteria: Invitae Variant Classification Sherloc (09022015). Collection method: clinical testing. Allele origin: germline.
Comment: This sequence change replaces aspartic acid, which is acidic and polar, with glycine, which is neutral and non-polar, at codon 791 of the KCNH5 protein (p.Asp791Gly). This variant is not present in population databases (gnomAD no frequency). This variant has not been reported in the literature in individuals affected with KCNH5-related conditions. ClinVar contains an entry for this variant (Variation ID: 578531). Invitae Evidence Modeling of protein sequence and biophysical properties (such as structural, functional, and spatial information, amino acid conservation, physicochemical variation, residue mobility, and thermodynamic stability) indicates that this missense variant is not expected to disrupt KCNH5 protein function with a negative predictive value of 95%. In summary, the available evidence is currently insufficient to determine the role of this variant in disease. Therefore, it has been classified as a Variant of Uncertain Significance.

NM_139318.5(KCNH5):c.2372A>G (p.Asp791Gly)

Gene: KCNH5 (potassium voltage-gated channel subfamily H member 5; minus strand). Cytogenetic location: 14q23.2.
Variant type: single nucleotide variant.
Coding change: c.2372A>G on transcript NM_139318.5 (MANE Select); coding-DNA position 2372, A replaced by G.
Protein change: p.Asp791Gly; replaces aspartic acid 791 with glycine.
Molecular consequence: missense variant. On other transcripts: 3 prime UTR variant (1).
Genome position (GRCh38, 1-based): chr14:62,708,103, T>C on the plus strand (A>G on the coding strand, the complement: KCNH5 is on the minus strand). VCF-style: chr14-62708103-T-C. GRCh37 (hg19) VCF-style: chr14-63174821-T-C.
Other names: c.*339A>G (NM_172375.3); short protein forms D791G.
Identifiers: ClinVar variation 578531 (VCV000578531.6), dbSNP rs548465461, ClinGen allele CA262376551.